The following is an entry in ClinVar:

NM_021927.3(GUF1):c.416T>C (p.Ile139Thr)

Gene: GUF1 (GTP binding elongation factor GUF1; plus strand). Cytogenetic location: 4p12.
Variant type: single nucleotide variant.
Coding change: c.416T>C on transcript NM_021927.3 (MANE Select); coding-DNA position 416, T replaced by C.
Protein change: p.Ile139Thr; replaces isoleucine 139 with threonine.
Molecular consequence: missense variant. On other transcripts: 5 prime UTR variant (2).
Genome position (GRCh38, 1-based): chr4:44,680,832, T>C. VCF-style: chr4-44680832-T-C. GRCh37 (hg19) VCF-style: chr4-44682849-T-C.
Other names: c.-553T>C (NM_001345867.2); c.416T>C, p.Ile139Thr (NM_001345868.2); c.-557T>C (NM_001345869.2); short protein forms I139T.
Identifiers: ClinVar variation 2996314 (VCV002996314.3), dbSNP rs773228432, ClinGen allele CA2905277.

ClinVar aggregate classification (germline): Uncertain significance (1 of 4 stars; one submission).

Allele frequency attached by ClinVar (database versions not stated): ExAC 0.00001; TOPMed 0.00001; gnomAD 0.00003.
gnomAD v4.1: 60 of 1,607,294 alleles (0.0037%); highest among the groups gnomAD compares: Non-Finnish European, 0.0049%; no homozygotes.

Submission:

Labcorp Genetics (formerly Invitae), Labcorp
Classification: Uncertain significance. Last evaluated: 2023-05-16. Review status: criteria provided, single submitter. Criteria: Invitae Variant Classification Sherloc (09022015). Collection method: clinical testing. Allele origin: germline.
Comment: In summary, the available evidence is currently insufficient to determine the role of this variant in disease. Therefore, it has been classified as a Variant of Uncertain Significance. Advanced modeling of protein sequence and biophysical properties (such as structural, functional, and spatial information, amino acid conservation, physicochemical variation, residue mobility, and thermodynamic stability) performed at Invitae indicates that this missense variant is expected to disrupt GUF1 protein function. This variant has not been reported in the literature in individuals affected with GUF1-related conditions. This variant is present in population databases (rs773228432, gnomAD 0.005%). This sequence change replaces isoleucine, which is neutral and non-polar, with threonine, which is neutral and polar, at codon 139 of the GUF1 protein (p.Ile139Thr).